The following is an entry in ClinVar:

NM_005120.3(MED12):c.253A>T (p.Thr85Ser)

Gene: MED12 (mediator complex subunit 12; plus strand). Cytogenetic location: Xq13.1.
Variant type: single nucleotide variant.
Coding change: c.253A>T on transcript NM_005120.3 (MANE Select); coding-DNA position 253, A replaced by T.
Protein change: p.Thr85Ser; replaces threonine 85 with serine.
Molecular consequence: missense variant.
Genome position (GRCh38, 1-based): chrX:71,119,734, A>T. VCF-style: chrX-71119734-A-T. GRCh37 (hg19) VCF-style: chrX-70339584-A-T.
Other names: short protein forms T85S.
Identifiers: ClinVar variation 3372539 (VCV003372539.1).

ClinVar aggregate classification (germline): Uncertain significance (1 of 4 stars; one submission).

gnomAD v4.1: 3 of 1,210,911 alleles (0.00025%); highest among the groups gnomAD compares: Non-Finnish European, 0.00034%; no homozygotes.

Submission:

GeneDx
Classification: Uncertain significance. Last evaluated: 2024-04-24. Review status: criteria provided, single submitter. Criteria: GeneDx Variant Classification Process June 2021. Collection method: clinical testing. Allele origin: germline. Affected: yes.
Comment: Not observed at significant frequency in large population cohorts (gnomAD); In silico analysis supports that this missense variant has a deleterious effect on protein structure/function; Has not been previously published as pathogenic or benign to our knowledge